The following is an entry in ClinVar:

ClinVar aggregate classification (germline): Uncertain significance (1 of 4 stars; one submission).

Submission:

GeneDx
Classification: Uncertain significance. Last evaluated: 2022-12-23. Review status: criteria provided, single submitter. Criteria: GeneDx Variant Classification Process June 2021. Collection method: clinical testing. Allele origin: germline. Affected: yes.
Comment: Not observed at significant frequency in large population cohorts (gnomAD); In silico analysis supports that this missense variant does not alter protein structure/function; Has not been previously published as pathogenic or benign to our knowledge; This variant is associated with the following publications: (PMID: 28545555)

NM_152703.5(SAMD9L):c.3235C>T (p.Pro1079Ser)

Gene: SAMD9L (sterile alpha motif domain containing 9 like; minus strand). Cytogenetic location: 7q21.2.
Variant type: single nucleotide variant.
Coding change: c.3235C>T on transcript NM_152703.5 (MANE Select); coding-DNA position 3235, C replaced by T.
Protein change: p.Pro1079Ser; replaces proline 1079 with serine.
Molecular consequence: missense variant.
Genome position (GRCh38, 1-based): chr7:93,132,737, G>A on the plus strand (C>T on the coding strand, the complement: SAMD9L is on the minus strand). VCF-style: chr7-93132737-G-A. GRCh37 (hg19) VCF-style: chr7-92762050-G-A.
Other names: c.3235C>T, p.Pro1079Ser (NM_001303496.3, NM_001303497.3, NM_001303498.3 and 5 more transcripts); short protein forms P1079S.
Identifiers: ClinVar variation 2506765 (VCV002506765.1), dbSNP rs2535414039, ClinGen allele CA368184033.
Genomic context (GRCh38, chr7:93,132,737, plus strand): 5'-AGTCCTTCTCTTTAATGTAGAAATGTCTTGCTAAGGCTTGACAAATGAATGCATTTTGTG[G>A]GAATCGTCTACTTCCTGCACTCAAGACCTTTTCAATGTCTTTATTCTGTAAAGCTTCCAT-3'
Protein context (NP_689916.2, residues 1069-1089): KVLSAGSRRF[Pro1079Ser]QNAFICQALA